The following is an entry in ClinVar:

ClinVar aggregate classification (germline): Pathogenic (1 of 4 stars; one submission).

Conditions:
Dyskeratosis congenita. Identifiers: Orphanet 1775, MedGen C0265965, MONDO:0015780.

Submission:

Labcorp Genetics (formerly Invitae), Labcorp
Classification: Pathogenic for Dyskeratosis congenita. Last evaluated: 2022-09-07. Review status: criteria provided, single submitter. Criteria: Invitae Variant Classification Sherloc (09022015). Collection method: clinical testing. Allele origin: germline.
Comment: This sequence change creates a premature translational stop signal (p.Asn102Alafs*32) in the CTC1 gene. It is expected to result in an absent or disrupted protein product. Loss-of-function variants in CTC1 are known to be pathogenic (PMID: 22267198, 22387016). This variant is not present in population databases (gnomAD no frequency). This variant has not been reported in the literature in individuals affected with CTC1-related conditions. ClinVar contains an entry for this variant (Variation ID: 1456511). For these reasons, this variant has been classified as Pathogenic.

Literature cited by the submitters: PubMed 22267198; PubMed 22387016.

NM_025099.6(CTC1):c.303_316del (p.Asn102fs)

Gene: CTC1 (CST telomere replication complex component 1; minus strand). Cytogenetic location: 17p13.1.
Variant type: Deletion.
Coding change: c.303_316del on transcript NM_025099.6 (MANE Select); coding-DNA positions 303 to 316, 14 bases deleted (AAATGGGAACCCCC).
Protein change: p.Asn102fs; shifts the reading frame from asparagine 102.
Molecular consequence: frameshift variant. On other transcripts: non-coding transcript variant (1).
Genome position (GRCh38, 1-based): chr17:8,238,511-8,238,524, GGGGGTTCCCATTT deleted on the plus strand (AAATGGGAACCCCC on the coding strand, the reverse complement: CTC1 is on the minus strand); deleting any 14 consecutive bases within chr17:8,238,511-8,238,526 gives the same sequence; the c. name uses the placement nearest the transcript's 3' end. VCF-style (leftmost placement, unchanged base first): chr17-8238510-AGGGGGTTCCCATTT-A. GRCh37 (hg19) VCF-style: chr17-8141828-AGGGGGTTCCCATTT-A.
Other names: short protein forms N102fs.
Identifiers: ClinVar variation 1456511 (VCV001456511.6), dbSNP rs2151531785, ClinGen allele CA2573154547.
Genomic context (GRCh38, chr17:8,238,510, plus strand): 5'-TGTTCCAAGTCTGCCGATAGGTCTGTTAGTGTCCCTAAAAGTAACAGCTGCTCTCGGGGC[AGGGGGTTCCCATTT>A]GGTCCAGCCTCTTGGGCCCAGGCCTGGTATGCACTACTGCTCCACGACAGGTGGCTGCAG-3'